The following is an entry in ClinVar:

ClinVar aggregate classification (germline): Uncertain significance (1 of 4 stars; one submission).

Submission:

Labcorp Genetics (formerly Invitae), Labcorp
Classification: Uncertain significance. Last evaluated: 2024-09-23. Review status: criteria provided, single submitter. Criteria: Invitae Variant Classification Sherloc (09022015). Collection method: clinical testing. Allele origin: germline.
Comment: This sequence change replaces valine, which is neutral and non-polar, with leucine, which is neutral and non-polar, at codon 96 of the DNAJC17 protein (p.Val96Leu). This variant is not present in population databases (gnomAD no frequency). This variant has not been reported in the literature in individuals affected with DNAJC17-related conditions. An algorithm developed to predict the effect of missense changes on protein structure and function (PolyPhen-2) suggests that this variant is likely to be tolerated. In summary, the available evidence is currently insufficient to determine the role of this variant in disease. Therefore, it has been classified as a Variant of Uncertain Significance.

NM_018163.3(DNAJC17):c.286G>T (p.Val96Leu)

Gene: DNAJC17 (DnaJ heat shock protein family (Hsp40) member C17; minus strand). Cytogenetic location: 15q15.1.
Variant type: single nucleotide variant.
Coding change: c.286G>T on transcript NM_018163.3 (MANE Select); coding-DNA position 286, G replaced by T.
Protein change: p.Val96Leu; replaces valine 96 with leucine.
Molecular consequence: missense variant.
Genome position (GRCh38, 1-based): chr15:40,779,232, C>A on the plus strand (G>T on the coding strand, the complement: DNAJC17 is on the minus strand). VCF-style: chr15-40779232-C-A. GRCh37 (hg19) VCF-style: chr15-41071430-C-A.
Other names: short protein forms V96L.
Identifiers: ClinVar variation 3700772 (VCV003700772.2).
Genomic context (GRCh38, chr15:40,779,232, plus strand): 5'-GAAAATGACCACAGGAAACCACAGGCCACCGAGCACTATGATGGCACCTACCAAGCTTCA[C>A]TTTCTTCCTTTTCTCATCAAGTTTCTGGGTCCTCTCTGCTGCTTGCTTCTTGGCTTTCCT-3'
Protein context (NP_060633.1, residues 86-106): TQKLDEKRKK[Val96Leu]KLDLEARERQ